The following is an entry in ClinVar:

ClinVar aggregate classification (germline): Conflicting classifications of pathogenicity. Review status: criteria provided, conflicting classifications (1 of 4 stars). 3 submissions from 3 submitters: Uncertain significance (2); Likely benign (1). Last evaluated 2025-09-01.

Conditions:
FG syndrome (FGS). Identifiers: MedGen C0220769, MONDO:0002010.

Submissions (3):

CeGaT Center for Human Genetics Tuebingen
Classification: Likely benign. Last evaluated: 2025-09-01. Review status: criteria provided, single submitter. Criteria: CeGaT Center For Human Genetics Tuebingen Variant Classification Criteria Version 2. Collection method: clinical testing. Allele origin: germline. Affected: yes. Observed: 1 variant allele.
Comment: MED12: BS2

Labcorp Genetics (formerly Invitae), Labcorp
Classification: Uncertain significance for FG syndrome. Last evaluated: 2025-02-23. Review status: criteria provided, single submitter. Criteria: Invitae Variant Classification Sherloc (09022015). Collection method: clinical testing. Allele origin: germline.
Comment: This variant, c.6300_6329del, results in the deletion of 10 amino acid(s) of the MED12 protein (p.Gln2106_Gln2115del), but otherwise preserves the integrity of the reading frame. The frequency data for this variant in the population databases is considered unreliable, as metrics indicate poor data quality at this position in the gnomAD database. This variant has not been reported in the literature in individuals affected with MED12-related conditions. ClinVar contains an entry for this variant (Variation ID: 503841). Experimental studies and prediction algorithms are not available or were not evaluated, and the functional significance of this variant is currently unknown. In summary, the available evidence is currently insufficient to determine the role of this variant in disease. Therefore, it has been classified as a Variant of Uncertain Significance.

GeneDx
Classification: Uncertain significance. Last evaluated: 2021-05-26. Review status: criteria provided, single submitter. Criteria: GeneDx Variant Classification Process June 2021. Collection method: clinical testing. Allele origin: germline. Affected: yes.
Comment: In-frame deletion of 10 amino acids in a repetitive region with no known function; In silico analysis supports a deleterious effect on protein structure/function; Has not been previously published as pathogenic or benign to our knowledge

NM_005120.2(MED12):c.6300_6329del

Gene: MED12 (mediator complex subunit 12; plus strand). Cytogenetic location: Xq13.1.
Variant type: Microsatellite.
Coding change: c.6300_6329del on transcript NM_005120.2; coding-DNA positions 6300 to 6329, 30 bases deleted (GCAGCAGCAACAGCAACAGCAGCAGCAGCA).
Genome position (GRCh38, 1-based): chrX:71,141,262-71,141,291, GCAGCAGCAACAGCAACAGCAGCAGCAGCA deleted; deleting any 30 consecutive bases within chrX:71,141,228-71,141,291 gives the same sequence; the c. name uses the placement nearest the transcript's 3' end. VCF-style (leftmost placement, unchanged base first): chrX-71141227-TAGCAGCAGCAGCAACAGCAACAGCAGCAGC-T. GRCh37 (hg19) VCF-style: chrX-70361077-TAGCAGCAGCAGCAACAGCAACAGCAGCAGC-T.
Other names: c.6300_6329del30 (NM_005120.2).
Identifiers: ClinVar variation 503841 (VCV000503841.15), dbSNP rs773480549, ClinGen allele CA10444913.
Genomic context (GRCh38, chrX:71,141,227, plus strand): 5'-TTTAGTTCTGAGGCTTAGCTTCCTCCCTCTGCTCCTTCTGAAGTATCTTTTGTGTTCTTA[TAGCAGCAGCAGCAACAGCAACAGCAGCAGC>T]AGCAGCAGCAGCAACAGCAACAGCAGCAGCAGCAACAGCAACAACAGCAACACCAGCAGC-3'